The following is an entry in ClinVar:

ClinVar aggregate classification (germline): Uncertain significance (1 of 4 stars; one submission).

Allele frequency attached by ClinVar (database versions not stated): ESP Exome Variant Server 0.00008.
gnomAD v4.1: 6 of 1,613,922 alleles (0.00037%); highest among the groups gnomAD compares: African/African-American, 0.0027%; no homozygotes.

Submission:

GeneDx
Classification: Uncertain significance. Last evaluated: 2020-02-21. Review status: criteria provided, single submitter. Criteria: GeneDx Variant Classification Process June 2021. Collection method: clinical testing. Allele origin: germline. Affected: yes.
Comment: Not observed at a significant frequency in large population cohorts (Lek et al., 2016); In silico analysis supports that this missense variant does not alter protein structure/function; Has not been previously published as pathogenic or benign to our knowledge

NM_000349.3(STAR):c.110G>A (p.Arg37Gln)

Gene: STAR (steroidogenic acute regulatory protein; minus strand). Cytogenetic location: 8p11.23.
Variant type: single nucleotide variant.
Coding change: c.110G>A on transcript NM_000349.3 (MANE Select); coding-DNA position 110, G replaced by A.
Protein change: p.Arg37Gln; replaces arginine 37 with glutamine.
Molecular consequence: missense variant.
Genome position (GRCh38, 1-based): chr8:38,148,709, C>T on the plus strand (G>A on the coding strand, the complement: STAR is on the minus strand). VCF-style: chr8-38148709-C-T. GRCh37 (hg19) VCF-style: chr8-38006227-C-T.
Other names: short protein forms R37Q.
Identifiers: ClinVar variation 1315415 (VCV001315415.2), dbSNP rs141136662, ClinGen allele CA175097655.
Genomic context (GRCh38, chr8:38,148,709, plus strand): 5'-GAGCTCCGCCGCCGAACCTGGTTAATCCACGTGCTAGGGGTGGGGCCCCCCAGGGCCCTC[C>T]GGTTCAGCTCCTGGCTGATGGCCATCACAGCCTGTTGCCTCAGCCCTGCAGAAGGGAATA-3'
Protein context (NP_000340.2, residues 27-47): AVMAISQELN[Arg37Gln]RALGGPTPST